The following is an entry in ClinVar:

NM_001042492.3(NF1):c.5549_5554del (p.Val1850_Pro1851del)

Gene: NF1 (neurofibromin 1; plus strand). Cytogenetic location: 17q11.2.
Variant type: Deletion.
Coding change: c.5549_5554del on transcript NM_001042492.3 (MANE Select); coding-DNA positions 5549 to 5554, 6 bases deleted (TCCCTG; older notation c.5549_5554delTCCCTG).
Protein change: p.Val1850_Pro1851del.
Molecular consequence: inframe deletion. On other transcripts: inframe indel (1).
Genome position (GRCh38, 1-based): chr17:31,327,779-31,327,784, TCCCTG deleted; deleting any 6 consecutive bases within chr17:31,327,777-31,327,784 gives the same sequence; the c. name uses the placement nearest the transcript's 3' end. VCF-style (leftmost placement, unchanged base first): chr17-31327776-ATGTCCC-A. GRCh37 (hg19) VCF-style: chr17-29654794-ATGTCCC-A.
Other names: c.5486_5491delTCCCTG, p.Val1829_Pro1830del (NM_000267.4).
Identifiers: ClinVar variation 2762817 (VCV002762817.3), dbSNP rs2508707983, ClinGen allele CA2697559647.

ClinVar aggregate classification (germline): Pathogenic (1 of 4 stars; one submission).

Conditions:
Neurofibromatosis, type 1 (NF1). Also called: VON RECKLINGHAUSEN DISEASE; Neurofibromatosis, type I; NEUROFIBROMATOSIS, TYPE I, SOMATIC; Peripheral type neurofibromatosis. Identifiers: Orphanet 636, MedGen C0027831, MONDO:0018975, OMIM 162200. Disease mechanism: loss of function.

Submission:

Labcorp Genetics (formerly Invitae), Labcorp
Classification: Pathogenic for Neurofibromatosis, type 1. Last evaluated: 2023-09-22. Review status: criteria provided, single submitter. Criteria: Invitae Variant Classification Sherloc (09022015). Collection method: clinical testing. Allele origin: germline.
Comment: This variant, c.5486_5491del, results in the deletion of 2 amino acid(s) of the NF1 protein (p.Val1829_Pro1830del), but otherwise preserves the integrity of the reading frame. This variant is not present in population databases (gnomAD no frequency). This variant has not been reported in the literature in individuals affected with NF1-related conditions. Experimental studies and prediction algorithms are not available or were not evaluated, and the functional significance of this variant is currently unknown. This variant disrupts a region of the NF1 protein in which other variant(s) (p.Pro1830Leu) have been determined to be pathogenic (PMID: 24789688; Invitae). This suggests that this is a clinically significant region of the protein, and that variants that disrupt it are likely to be disease-causing. For these reasons, this variant has been classified as Pathogenic.

Literature cited by the submitters: PubMed 24789688.